The following is an entry in ClinVar:

ClinVar aggregate classification (germline): Pathogenic/Likely pathogenic. Review status: criteria provided, multiple submitters, no conflicts (2 of 4 stars). 7 submissions from 7 submitters: Pathogenic (2); Likely pathogenic (1). 4 of the submissions do not count toward it. Last evaluated 2025-05-12.

Conditions:
Methylmalonic aciduria, cblA type (MACA). Also called: Methylmalonic aciduria, vitamin B12-responsive; Vitamin B12-responsive methylmalonic acidemia type cblA; Methylmalonic aciduria, vitamin b12-responsive, due to defect in synthesis of adenosylcobalamin, cbla complementation type; MMA cbl A type; Methylmalonic acidemia cblA type. Identifiers: Orphanet 28, Orphanet 79310, MedGen C1855109, MONDO:0009613, OMIM 251100.

Allele frequency attached by ClinVar (database versions not stated): ExAC 0.00001; gnomAD 0.00001.
gnomAD v4.1: 15 of 1,613,880 alleles (0.00093%); highest among the groups gnomAD compares: Non-Finnish European, 0.0012%; no homozygotes.

Submissions (7):

Natera, Inc.
Classification: Likely pathogenic for Methylmalonic aciduria cblA type. Last evaluated: 2025-05-12. Review status: criteria provided, single submitter. Criteria: Natera Variant Classification Schema (03/2026). Collection method: clinical testing. Allele origin: germline.
Comment: The c.733+1G>A variant in MMAA is a canonical splice donor site variant predicted to affect pre-mRNA splicing, which may result in an abnormal transcript and altered protein product. This variant is expected to result in nonsense mediated decay, truncation, or a dysfunctional protein product. This variant is rare in the general population with a frequency below the threshold expected for the associated phenotype(s). This variant has been observed in one or more individuals affected with the associated recessive disease, as either homozygous or compound heterozygous with a second variant (PMID: 15523652, 27858373). Given the available evidence, this variant is classified as Likely Pathogenic.

Labcorp Genetics (formerly Invitae), Labcorp
Classification: Pathogenic for Methylmalonic aciduria, cblA type. Last evaluated: 2023-09-13. Review status: criteria provided, single submitter. Criteria: Invitae Variant Classification Sherloc (09022015). Collection method: clinical testing. Allele origin: germline.
Comment: Algorithms developed to predict the effect of sequence changes on RNA splicing suggest that this variant may disrupt the consensus splice site. For these reasons, this variant has been classified as Pathogenic. ClinVar contains an entry for this variant (Variation ID: 218978). Disruption of this splice site has been observed in individuals with methylmalonic aciduria (PMID: 15523652, 27858373, 28497574). This variant is present in population databases (rs779939886, gnomAD 0.0009%). This sequence change affects a donor splice site in intron 4 of the MMAA gene. It is expected to disrupt RNA splicing. Variants that disrupt the donor or acceptor splice site typically lead to a loss of protein function (PMID: 16199547), and loss-of-function variants in MMAA are known to be pathogenic (PMID: 15523652, 15781192).

University Children's Hospital, University of Zurich
Classification: Pathogenic for Methylmalonic aciduria, cblA type. Review status: criteria provided, single submitter. Criteria: ZB-IEM Variant Assertion Criteria. Collection method: clinical testing. Allele origin: germline. Affected: yes. Observed: 1 variant allele.

Counsyl
Classification: Likely pathogenic for Methylmalonic aciduria, cblA type. Last evaluated: 2017-03-02. Review status: no assertion criteria provided. Collection method: clinical testing. Allele origin: unknown. Not counted in ClinVar's aggregate classification.

Clinical Genetics DNA and cytogenetics Diagnostics Lab, Erasmus MC, Erasmus Medical Center
Classification: Pathogenic. Review status: no assertion criteria provided. Collection method: clinical testing. Allele origin: germline. Affected: yes. Study: VKGL Data-share Consensus. Not counted in ClinVar's aggregate classification.

GeneReviews
No classification provided. Condition: Methylmalonic aciduria, cblA type. Review status: no classification provided. Collection method: literature only. Allele origin: germline. Affected: yes. Not counted in ClinVar's aggregate classification.

Joint Genome Diagnostic Labs from Nijmegen and Maastricht, Radboudumc and MUMC+
Classification: Pathogenic. Review status: no assertion criteria provided. Collection method: clinical testing. Allele origin: germline. Affected: yes. Study: VKGL Data-share Consensus. Not counted in ClinVar's aggregate classification.

Literature cited by the submitters: PubMed 15523652 (cited by 3 submitters); PubMed 27858373 (cited by Natera, Inc. and Labcorp Genetics (formerly Invitae), Labcorp); PubMed 28497574 (cited by Labcorp Genetics (formerly Invitae), Labcorp); PubMed 16199547 (cited by Labcorp Genetics (formerly Invitae), Labcorp); PubMed 15781192 (cited by Labcorp Genetics (formerly Invitae), Labcorp); PubMed 25525159 (cited by Counsyl); NCBI Bookshelf NBK1231 (cited by GeneReviews).

NM_172250.3(MMAA):c.733+1G>A

Gene: MMAA (metabolism of cobalamin associated A; plus strand). Cytogenetic location: 4q31.21.
Variant type: single nucleotide variant.
Coding change: c.733+1G>A on transcript NM_172250.3 (MANE Select); the canonical splice donor site of the intron after coding-DNA position 733, G replaced by A.
Molecular consequence: splice donor variant.
Genome position (GRCh38, 1-based): chr4:145,646,157, G>A. VCF-style: chr4-145646157-G-A. GRCh37 (hg19) VCF-style: chr4-146567309-G-A.
Other names: c.733+1G>A (NM_001375644.1).
Identifiers: ClinVar variation 218978 (VCV000218978.19), dbSNP rs779939886, ClinGen allele CA347856.
Genomic context (GRCh38, chr4:145,646,157, plus strand): 5'-ATGAAGCTATTCTGTTGTGTGAAGGAGCGGGATATGACATAATTCTTATTGAAACCGTTG[G>A]TGAGTGTGATATTCTATTTCATAACAATGTACTATTTTATGAATGCTATATAAAGATGAG-3'